The following is an entry in ClinVar:

ClinVar aggregate classification (germline): Uncertain significance (1 of 4 stars; one submission).

Allele frequency attached by ClinVar (database versions not stated): TOPMed 0.00001.
gnomAD v4.1: 3 of 1,607,286 alleles (0.00019%); highest among the groups gnomAD compares: Admixed American, 0.0033%; no homozygotes.

Submission:

Labcorp Genetics (formerly Invitae), Labcorp
Classification: Uncertain significance. Last evaluated: 2022-09-13. Review status: criteria provided, single submitter. Criteria: Invitae Variant Classification Sherloc (09022015). Collection method: clinical testing. Allele origin: germline.
Comment: This sequence change replaces glycine, which is neutral and non-polar, with tryptophan, which is neutral and slightly polar, at codon 10 of the ADAM9 protein (p.Gly10Trp). The frequency data for this variant in the population databases is considered unreliable, as metrics indicate poor data quality at this position in the gnomAD database. This variant has not been reported in the literature in individuals affected with ADAM9-related conditions. ClinVar contains an entry for this variant (Variation ID: 1356684). Algorithms developed to predict the effect of missense changes on protein structure and function are either unavailable or do not agree on the potential impact of this missense change (SIFT: "Deleterious"; PolyPhen-2: "Possibly Damaging"; Align-GVGD: "Class C0"). In summary, the available evidence is currently insufficient to determine the role of this variant in disease. Therefore, it has been classified as a Variant of Uncertain Significance.

NM_003816.3(ADAM9):c.28G>T (p.Gly10Trp)

Genes: ADAM9 (ADAM metallopeptidase domain 9; plus strand), LOC130000261 (ATAC-STARR-seq lymphoblastoid active region 27275; plus strand). Cytogenetic location: 8p11.22.
Variant type: single nucleotide variant.
Coding change: c.28G>T on transcript NM_003816.3 (MANE Select); coding-DNA position 28, G replaced by T.
Protein change: p.Gly10Trp; replaces glycine 10 with tryptophan.
Molecular consequence: missense variant. On other transcripts: non-coding transcript variant (3).
Genome position (GRCh38, 1-based): chr8:38,997,091, G>T. VCF-style: chr8-38997091-G-T. GRCh37 (hg19) VCF-style: chr8-38854610-G-T.
Other names: short protein forms G10W.
Identifiers: ClinVar variation 1356684 (VCV001356684.8), dbSNP rs761188130, ClinGen allele CA370750807.